The following is an entry in ClinVar:

NM_182914.3(SYNE2):c.1471G>A (p.Val491Ile)

Gene: SYNE2 (spectrin repeat containing nuclear envelope protein 2; plus strand). Cytogenetic location: 14q23.2.
Variant type: single nucleotide variant.
Coding change: c.1471G>A on transcript NM_182914.3 (MANE Select); coding-DNA position 1471, G replaced by A.
Protein change: p.Val491Ile; replaces valine 491 with isoleucine.
Molecular consequence: missense variant.
Genome position (GRCh38, 1-based): chr14:63,978,916, G>A. VCF-style: chr14-63978916-G-A. GRCh37 (hg19) VCF-style: chr14-64445634-G-A.
Other names: c.1471G>A, p.Val491Ile (NM_015180.6); short protein forms V491I.
Identifiers: ClinVar variation 649027 (VCV000649027.1), dbSNP rs1596005659, ClinGen allele CA389957062.

ClinVar aggregate classification (germline): Uncertain significance (1 of 4 stars; one submission).

Conditions:
Emery-Dreifuss muscular dystrophy 5, autosomal dominant (EDMD5). Also called: EMERY-DREIFUSS MUSCULAR DYSTROPHY 5. Identifiers: Orphanet 261, MedGen C2751805, MONDO:0013072, OMIM 612999.

Allele frequency attached by ClinVar (database versions not stated): TOPMed below 0.00001.

Submission:

Labcorp Genetics (formerly Invitae), Labcorp
Classification: Uncertain significance for Emery-Dreifuss muscular dystrophy 5, autosomal dominant. Last evaluated: 2018-08-29. Review status: criteria provided, single submitter. Criteria: Invitae Variant Classification Sherloc (09022015). Collection method: clinical testing. Allele origin: germline.
Comment: This sequence change replaces valine with isoleucine at codon 491 of the SYNE2 protein (p.Val491Ile). The valine residue is weakly conserved and there is a small physicochemical difference between valine and isoleucine. This variant is not present in population databases (ExAC no frequency). This variant has not been reported in the literature in individuals with SYNE2-related disease. Algorithms developed to predict the effect of missense changes on protein structure and function output the following: SIFT: "Tolerated"; PolyPhen-2: "Benign"; Align-GVGD: "Class C0". The isoleucine amino acid residue is found in multiple mammalian species, suggesting that this missense change does not adversely affect protein function. These predictions have not been confirmed by published functional studies and their clinical significance is uncertain. In summary, the available evidence is currently insufficient to determine the role of this variant in disease. Therefore, it has been classified as a Variant of Uncertain Significance.